The following is an entry in ClinVar:

NM_001163278.2(TENM1):c.7549G>A (p.Gly2517Arg)

Gene: TENM1 (teneurin transmembrane protein 1; minus strand). Cytogenetic location: Xq25.
Variant type: single nucleotide variant.
Coding change: c.7549G>A on transcript NM_001163278.2 (MANE Select); coding-DNA position 7549, G replaced by A.
Protein change: p.Gly2517Arg; replaces glycine 2517 with arginine.
Molecular consequence: missense variant.
Genome position (GRCh38, 1-based): chrX:124,381,186, C>T on the plus strand (G>A on the coding strand, the complement: TENM1 is on the minus strand). VCF-style: chrX-124381186-C-T. GRCh37 (hg19) VCF-style: chrX-123515036-C-T.
Other names: c.7546G>A, p.Gly2516Arg (NM_001163279.1); c.7528G>A, p.Gly2510Arg (NM_014253.3); short protein forms G2510R, G2516R, G2517R.
Identifiers: ClinVar variation 3052802 (VCV003052802.2), dbSNP rs185277810, ClinGen allele CA10509386.

ClinVar aggregate classification (germline): Likely benign (0 of 4 stars; one submission).

Conditions:
TENM1-related disorder. Also called: TENM1-related condition.

Allele frequency attached by ClinVar (database versions not stated): TOPMed 0.00007; ESP Exome Variant Server 0.00009; gnomAD 0.00019; gnomAD exomes 0.00041; ExAC 0.00085; 1000 Genomes Project 30x 0.00146; 1000 Genomes Project 0.00185.
gnomAD v4.1: 461 of 1,207,961 alleles (0.038%); highest among the groups gnomAD compares: South Asian, 0.6%; no homozygotes.

Submission:

PreventionGenetics, part of Exact Sciences
Classification: Likely benign for TENM1-related condition. Last evaluated: 2019-04-24. Review status: no assertion criteria provided. Collection method: clinical testing. Allele origin: germline.
Comment: This variant is classified as likely benign based on ACMG/AMP sequence variant interpretation guidelines (Richards et al. 2015 PMID: 25741868, with internal and published modifications).